The following is an entry in ClinVar:

NM_000393.5(COL5A2):c.4238A>G (p.Asp1413Gly)

Gene: COL5A2 (collagen type V alpha 2 chain; minus strand). Cytogenetic location: 2q32.2.
Variant type: single nucleotide variant.
Coding change: c.4238A>G on transcript NM_000393.5 (MANE Select); coding-DNA position 4238, A replaced by G.
Protein change: p.Asp1413Gly; replaces aspartic acid 1413 with glycine.
Molecular consequence: missense variant.
Genome position (GRCh38, 1-based): chr2:189,035,031, T>C on the plus strand (A>G on the coding strand, the complement: COL5A2 is on the minus strand). VCF-style: chr2-189035031-T-C. GRCh37 (hg19) VCF-style: chr2-189899757-T-C.
Other names: short protein forms D1413G.
Identifiers: ClinVar variation 1677643 (VCV001677643.4), dbSNP rs1685415466, ClinGen allele CA349855029.

ClinVar aggregate classification (germline): Uncertain significance. Review status: criteria provided, multiple submitters, no conflicts (2 of 4 stars). 2 submissions from 2 submitters: Uncertain significance (2). Last evaluated 2023-11-17.

Conditions:
Ehlers-Danlos syndrome, classic type, 1 (EDSCL1). Also called: EDS I; Ehlers-Danlos syndrome, type 1; EHLERS-DANLOS SYNDROME, GRAVIS TYPE; EHLERS-DANLOS SYNDROME, SEVERE CLASSIC TYPE; Ehlers-Danlos Syndrome, Classic Type, COL5A1-Related. Identifiers: MedGen C0268335, MONDO:0019567, OMIM 130000.

Allele frequency attached by ClinVar (database versions not stated): gnomAD 0.00001.
gnomAD v4.1: 1 of 1,613,834 alleles (0.000062%); highest among the groups gnomAD compares: African/African-American, 0.0013%; no homozygotes.

Submissions (2):

Labcorp Genetics (formerly Invitae), Labcorp
Classification: Uncertain significance for Ehlers-Danlos syndrome, classic type, 1. Last evaluated: 2023-11-17. Review status: criteria provided, single submitter. Criteria: Invitae Variant Classification Sherloc (09022015). Collection method: clinical testing. Allele origin: germline.
Comment: This sequence change replaces aspartic acid, which is acidic and polar, with glycine, which is neutral and non-polar, at codon 1413 of the COL5A2 protein (p.Asp1413Gly). This variant is not present in population databases (gnomAD no frequency). This variant has not been reported in the literature in individuals affected with COL5A2-related conditions. ClinVar contains an entry for this variant (Variation ID: 1677643). Advanced modeling of protein sequence and biophysical properties (such as structural, functional, and spatial information, amino acid conservation, physicochemical variation, residue mobility, and thermodynamic stability) performed at Invitae indicates that this missense variant is expected to disrupt COL5A2 protein function with a positive predictive value of 80%. In summary, the available evidence is currently insufficient to determine the role of this variant in disease. Therefore, it has been classified as a Variant of Uncertain Significance.

AiLife Diagnostics
Classification: Uncertain significance. Last evaluated: 2021-11-18. Review status: criteria provided, single submitter. Criteria: ACMG Guidelines, 2015. Collection method: clinical testing. Allele origin: germline. Affected: yes. Observed: 1 variant allele.